The following is an entry in ClinVar:

ClinVar aggregate classification (germline): Conflicting classifications of pathogenicity. Review status: criteria provided, conflicting classifications (1 of 4 stars). 4 submissions from 4 submitters: Pathogenic (1); Likely pathogenic (1); Uncertain significance (2). Last evaluated 2026-07-09.

Conditions:
Familial adenomatous polyposis 2. Also called: COLORECTAL ADENOMATOUS POLYPOSIS, AUTOSOMAL RECESSIVE; ADENOMAS, MULTIPLE COLORECTAL, AUTOSOMAL RECESSIVE; MYH-associated polyposis; FAP type 2; MUTYH-related attenuated familial adenomatous polyposis; MUTYH-associated polyposis. Identifiers: Orphanet 220460, Orphanet 247798, MedGen C3272841, MONDO:0012041, OMIM 608456.
Hereditary cancer-predisposing syndrome. Also called: Neoplastic Syndromes, Hereditary; Tumor predisposition; Hereditary Cancer Syndrome; Hereditary neoplastic syndrome. Identifiers: Orphanet 140162, MedGen C0027672, MeSH D009386, MONDO:0015356.

Submissions (4):

Myriad Genetics, Inc.
Classification: Likely pathogenic for Familial adenomatous polyposis 2. Last evaluated: 2026-07-09. Review status: criteria provided, single submitter. Criteria: Myriad Autosomal Dominant, Autosomal Recessive and X-Linked Classification Criteria (2023). Collection method: clinical testing. Allele origin: unknown.
Comment: This variant is considered likely pathogenic. Functional studies indicate this variant impacts protein function [PMID: 40738107]. This variant is expected to disrupt protein structure [Myriad internal data].

Ambry Genetics
Classification: Pathogenic for Hereditary cancer-predisposing syndrome. Last evaluated: 2026-01-13. Review status: criteria provided, single submitter. Criteria: Ambry Variant Classification Scheme 2023. Collection method: clinical testing. Allele origin: germline.
Comment: The p.D236Y pathogenic mutation (also known as c.706G>T), located in coding exon 9 of the MUTYH gene, results from a G to T substitution at nucleotide position 706. The aspartic acid at codon 236 is replaced by tyrosine, an amino acid with highly dissimilar properties. Other variant(s) at the same codon, p.D236N (c.706G>A), p.D236E (c.708T>A), demonstrate this region is critical for protein function (Ambry internal data). In a massively parallel cell-based functional assay testing 7,8-dihydro-8- oxoguanine:adenine (8OG:A) repair activity, a byproduct of oxidative damage, this variant was reported to be non-functional (Hemker SL et al. Am J Hum Genet. Published online July 29, 2025. DOI: 10.1016/j.ajhg.2025.07.005). This amino acid position is highly conserved in available vertebrate species. In addition, this alteration is predicted to be deleterious by in silico analysis. This variant is considered to be rare based on population cohorts in the Genome Aggregation Database (gnomAD). Based on the supporting evidence, this variant is interpreted as a disease-causing mutation.

Women's Health and Genetics/Laboratory Corporation of America, LabCorp
Classification: Uncertain significance. Last evaluated: 2025-10-09. Review status: criteria provided, single submitter. Criteria: LabCorp Variant Classification Summary - May 2015. Collection method: clinical testing. Allele origin: germline.

Labcorp Genetics (formerly Invitae), Labcorp
Classification: Uncertain significance for Familial adenomatous polyposis 2. Last evaluated: 2024-11-19. Review status: criteria provided, single submitter. Criteria: Invitae Variant Classification Sherloc (09022015). Collection method: clinical testing. Allele origin: germline.
Comment: This sequence change replaces aspartic acid, which is acidic and polar, with tyrosine, which is neutral and polar, at codon 236 of the MUTYH protein (p.Asp236Tyr). This variant is not present in population databases (gnomAD no frequency). This variant has not been reported in the literature in individuals affected with MUTYH-related conditions. ClinVar contains an entry for this variant (Variation ID: 2836859). An algorithm developed to predict the effect of missense changes on protein structure and function (PolyPhen-2) suggests that this variant is likely to be disruptive. In summary, the available evidence is currently insufficient to determine the role of this variant in disease. Therefore, it has been classified as a Variant of Uncertain Significance.

Literature cited by the submitters: PubMed 40738107 (cited by Myriad Genetics, Inc. and Ambry Genetics).

NM_001048174.2(MUTYH):c.622G>T (p.Asp208Tyr)

Gene: MUTYH (mutY DNA glycosylase; minus strand). Cytogenetic location: 1p34.1.
Variant type: single nucleotide variant.
Coding change: c.622G>T on transcript NM_001048174.2 (MANE Select); coding-DNA position 622, G replaced by T.
Protein change: p.Asp208Tyr; replaces aspartic acid 208 with tyrosine.
Molecular consequence: missense variant. On other transcripts: non-coding transcript variant (7).
Genome position (GRCh38, 1-based): chr1:45,332,473, C>A on the plus strand (G>T on the coding strand, the complement: MUTYH is on the minus strand). VCF-style: chr1-45332473-C-A. GRCh37 (hg19) VCF-style: chr1-45798145-C-A.
Other names: c.697G>T, p.Asp233Tyr (NM_012222.3); c.622G>T, p.Asp208Tyr (NM_001048171.2, NM_001048173.2, NM_001293195.2 and 6 more transcripts); c.625G>T, p.Asp209Tyr (NM_001048172.2, NM_001407071.1, NM_001407078.1 and 1 more transcripts); c.706G>T, p.Asp236Tyr (NM_001128425.2); c.667G>T, p.Asp223Tyr (NM_001293190.2); c.655G>T, p.Asp219Tyr (NM_001293191.2, NM_001407069.1, NM_001407077.1); c.346G>T, p.Asp116Tyr (NM_001293192.2, NM_001293196.2, NM_001407091.1); c.277G>T, p.Asp93Tyr (NM_001350650.2, NM_001350651.2, NM_001407082.1); and 5 more; short protein forms D195Y, D223Y, D194Y, D209Y, D215Y, D222Y, D236Y, D93Y.
Identifiers: ClinVar variation 2836859 (VCV002836859.6), dbSNP rs1570409700, ClinGen allele CA340134910.